The following is an entry in ClinVar:

NM_000398.7(CYB5R3):c.173G>A (p.Arg58Gln)

Gene: CYB5R3 (cytochrome b5 reductase 3; minus strand). Cytogenetic location: 22q13.2.
Variant type: single nucleotide variant.
Coding change: c.173G>A on transcript NM_000398.7 (MANE Select); coding-DNA position 173, G replaced by A.
Protein change: p.Arg58Gln; replaces arginine 58 with glutamine.
Molecular consequence: missense variant.
Genome position (GRCh38, 1-based): chr22:42,631,431, C>T on the plus strand (G>A on the coding strand, the complement: CYB5R3 is on the minus strand). VCF-style: chr22-42631431-C-T. GRCh37 (hg19) VCF-style: chr22-43027437-C-T.
Other names: c.104G>A, p.Arg35Gln (NM_001129819.2, NM_001171661.1, NM_007326.4); c.272G>A, p.Arg91Gln (NM_001171660.2); c.173G>A (NM_000398.6); short protein forms R58Q, R35Q, R91Q.
Identifiers: ClinVar variation 235 (VCV000000235.8), dbSNP rs121965007, ClinGen allele CA114069.

ClinVar aggregate classification (germline): Pathogenic/Likely pathogenic. Review status: criteria provided, multiple submitters, no conflicts (2 of 4 stars). 5 submissions from 5 submitters: Pathogenic (1); Likely pathogenic (3). 1 of the submissions does not count toward it. Last evaluated 2025-01-31.

Conditions:
CYB5R3-related disorder. Also called: CYB5R3-related condition.
CYB5R3-related disorders.
METHEMOGLOBINEMIA, TYPE I. Identifiers: MedGen C2749559, OMIM 250800.

Allele frequency attached by ClinVar (database versions not stated): gnomAD 0.00002 and 0.00003; TOPMed 0.00002; ExAC 0.00010.
gnomAD v4.1: 38 of 1,551,468 alleles (0.0024%); highest among the groups gnomAD compares: East Asian, 0.017%; 1 homozygote.

Submissions (5):

PreventionGenetics, part of Exact Sciences
Classification: Likely pathogenic for CYB5R3-related condition. Last evaluated: 2025-01-31. Review status: criteria provided, single submitter. Criteria: ACMG Guidelines, 2015. Collection method: clinical testing. Allele origin: germline.
Comment: The CYB5R3 c.173G>A variant is predicted to result in the amino acid substitution p.Arg58Gln. This variant, previously reported as p.Arg57Gln using legacy nomenclature, has been reported in three homozygous and one compound heterozygous individuals with methemoglobinemia 1 (Katsube et al.1991. PubMed ID: 1707593; Shirabe et al. 1992. PubMed ID: 1400360; Warang et al. 2013. PubMed ID: 24266649). This variant is reported in 0.018% of alleles in individuals of South Asian descent in gnomAD. This variant is interpreted as likely pathogenic.

Mayo Clinic Laboratories, Mayo Clinic
Classification: Likely pathogenic. Last evaluated: 2023-06-20. Review status: criteria provided, single submitter. Criteria: ACMG Guidelines, 2015. Collection method: clinical testing. Allele origin: germline. Observed: 1 variant allele.
Comment: PP3, PM2_moderate, PM3, PS4_moderate

Blueprint Genetics
Classification: Pathogenic for CYB5R3-related disorders. Last evaluated: 2023-04-04. Review status: criteria provided, single submitter. Criteria: ACMG Guidelines, 2015. Collection method: clinical testing. Allele origin: germline. Affected: yes. Observed: 4 variant alleles.

Labcorp Genetics (formerly Invitae), Labcorp
Classification: Likely pathogenic. Last evaluated: 2022-08-19. Review status: criteria provided, single submitter. Criteria: Invitae Variant Classification Sherloc (09022015). Collection method: clinical testing. Allele origin: germline.
Comment: This sequence change replaces arginine, which is basic and polar, with glutamine, which is neutral and polar, at codon 58 of the CYB5R3 protein (p.Arg58Gln). This variant is present in population databases (rs121965007, gnomAD 0.02%), including at least one homozygous and/or hemizygous individual. This missense change has been observed in individuals with methemoglobinemia (PMID: 1707593, 24266649). This variant is also known as p.Arg57Gln. ClinVar contains an entry for this variant (Variation ID: 235). Algorithms developed to predict the effect of missense changes on protein structure and function are either unavailable or do not agree on the potential impact of this missense change (SIFT: "Deleterious"; PolyPhen-2: "Possibly Damaging"; Align-GVGD: "Class C0"). Experimental studies have shown that this missense change affects CYB5R3 function (PMID: 1400360). This variant disrupts the p.Arg58 amino acid residue in CYB5R3. Other variant(s) that disrupt this residue have been observed in individuals with CYB5R3-related conditions (PMID: 1707593, 22627575, 24266649, 25058800), which suggests that this may be a clinically significant amino acid residue. In summary, the currently available evidence indicates that the variant is pathogenic, but additional data are needed to prove that conclusively. Therefore, this variant has been classified as Likely Pathogenic.

OMIM
Classification: Pathogenic for METHEMOGLOBINEMIA, TYPE I. Last evaluated: 2008-05-01. Review status: no assertion criteria provided. Collection method: literature only. Allele origin: germline. Not counted in ClinVar's aggregate classification.

Literature cited by the submitters: PubMed 1400360 (cited by Mayo Clinic Laboratories, Mayo Clinic and Labcorp Genetics (formerly Invitae), Labcorp); PubMed 1707593 (cited by 3 submitters); PubMed 18318771 (cited by Mayo Clinic Laboratories, Mayo Clinic and OMIM); PubMed 18343696 (cited by Mayo Clinic Laboratories, Mayo Clinic); PubMed 22627575 (cited by Mayo Clinic Laboratories, Mayo Clinic and Labcorp Genetics (formerly Invitae), Labcorp); PubMed 24266649 (cited by Mayo Clinic Laboratories, Mayo Clinic and Labcorp Genetics (formerly Invitae), Labcorp); PubMed 25058800 (cited by Mayo Clinic Laboratories, Mayo Clinic and Labcorp Genetics (formerly Invitae), Labcorp); PubMed 31898843 (cited by Mayo Clinic Laboratories, Mayo Clinic); PubMed 36984616 (cited by Mayo Clinic Laboratories, Mayo Clinic).